The following is an entry in ClinVar:

ClinVar aggregate classification (germline): Uncertain significance (1 of 4 stars; one submission).

Allele frequency attached by ClinVar (database versions not stated): TOPMed 0.00002; ExAC 0.00003; gnomAD exomes 0.00001; gnomAD 0.00003.

Submission:

Labcorp Genetics (formerly Invitae), Labcorp
Classification: Uncertain significance. Last evaluated: 2023-04-29. Review status: criteria provided, single submitter. Criteria: Invitae Variant Classification Sherloc (09022015). Collection method: clinical testing. Allele origin: germline.
Comment: In summary, the available evidence is currently insufficient to determine the role of this variant in disease. Therefore, it has been classified as a Variant of Uncertain Significance. Advanced modeling of protein sequence and biophysical properties (such as structural, functional, and spatial information, amino acid conservation, physicochemical variation, residue mobility, and thermodynamic stability) performed at Invitae indicates that this missense variant is expected to disrupt POGLUT1 protein function. ClinVar contains an entry for this variant (Variation ID: 2075944). This variant has not been reported in the literature in individuals affected with POGLUT1-related conditions. This variant is present in population databases (rs746703230, gnomAD 0.04%). This sequence change replaces arginine, which is basic and polar, with tryptophan, which is neutral and slightly polar, at codon 226 of the POGLUT1 protein (p.Arg226Trp).

NM_152305.3(POGLUT1):c.676C>T (p.Arg226Trp)

Gene: POGLUT1 (protein O-glucosyltransferase 1; plus strand). Cytogenetic location: 3q13.33.
Variant type: single nucleotide variant.
Coding change: c.676C>T on transcript NM_152305.3 (MANE Select); coding-DNA position 676, C replaced by T.
Protein change: p.Arg226Trp; replaces arginine 226 with tryptophan.
Molecular consequence: missense variant. On other transcripts: non-coding transcript variant (1).
Genome position (GRCh38, 1-based): chr3:119,486,870, C>T. VCF-style: chr3-119486870-C-T. GRCh37 (hg19) VCF-style: chr3-119205717-C-T.
Other names: c.676C>T, p.Arg226Trp (NM_020231.3); short protein forms R226W.
Identifiers: ClinVar variation 2075944 (VCV002075944.4), dbSNP rs746703230, ClinGen allele CA2554942.